The following is an entry in ClinVar:

ClinVar aggregate classification (germline): Conflicting classifications of pathogenicity. Review status: criteria provided, conflicting classifications (1 of 4 stars). 5 submissions from 5 submitters: Uncertain significance (2); Likely benign (1). 2 of the submissions do not count toward it. Last evaluated 2023-11-03.

Conditions:
Inborn genetic diseases. Identifiers: MedGen C0950123, MeSH D030342.
Polycystic kidney disease. Also called: Polycystic kidney dysplasia; Kidney, Polycystic. Identifiers: MedGen C0022680, MeSH D007690, MONDO:0020642, HP:0000113.
PKD1-related disorder. Also called: PKD1-related condition.
Polycystic kidney disease, adult type (PKD1). Also called: POLYCYSTIC KIDNEY DISEASE, ADULT, TYPE I; Polycystic Kidney Disease 1, Autosomal Dominant; Polycystic kidney disease 1; Polycystic kidney disease 1, severe; Polycystic Kidney, Autosomal Dominant; POLYCYSTIC KIDNEY DISEASE 1 WITH OR WITHOUT POLYCYSTIC LIVER DISEASE. Identifiers: MedGen C3149841, MONDO:0008263, OMIM 173900.

Allele frequency attached by ClinVar (database versions not stated): gnomAD exomes 0.00003 and 0.00010; ExAC 0.00023; ESP Exome Variant Server 0.00063; TOPMed 0.00075; 1000 Genomes Project 30x 0.00094; 1000 Genomes Project 0.00100.
gnomAD v4.1: 123 of 1,578,972 alleles (0.0078%); highest among the groups gnomAD compares: African/African-American, 0.14%; no homozygotes.

Submissions (5):

Ambry Genetics
Classification: Uncertain significance for Inborn genetic diseases. Last evaluated: 2023-11-03. Review status: criteria provided, single submitter. Criteria: Ambry Variant Classification Scheme 2023. Collection method: clinical testing. Allele origin: germline.

GeneDx
Classification: Likely benign. Last evaluated: 2021-02-26. Review status: criteria provided, single submitter. Criteria: GeneDx Variant Classification Process June 2021. Collection method: clinical testing. Allele origin: germline. Affected: yes.
Comment: Has not been previously published as pathogenic or benign to our knowledge; In silico analysis supports that this missense variant does not alter protein structure/function

ARUP Laboratories, Molecular Genetics and Genomics, ARUP Laboratories
Classification: Uncertain significance for Polycystic kidney disease, adult type. Last evaluated: 2020-05-11. Review status: criteria provided, single submitter. Criteria: ARUP Molecular Germline Variant Investigation Process. Collection method: clinical testing. Allele origin: germline.
Comment: The PKD1 c.3486C>G; p.Asp1162Glu variant (rs144211349), to our knowledge, is not reported in the medical literature or gene specific databases. This variant is found in the general population with an overall allele frequency of 0.015% (32/220,520 alleles) in the Genome Aggregation Database. The aspartic acid at codon 1162 is highly conserved, but computational analyses (SIFT: Tolerated, PolyPhen-2: Possibly Damaging) predict conflicting effects of this variant on protein structure/function. Due to limited information, the clinical significance of the p.Asp1162Glu variant is uncertain at this time.

PreventionGenetics, part of Exact Sciences
Classification: Likely benign for PKD1-related condition. Last evaluated: 2022-06-28. Review status: no assertion criteria provided. Collection method: clinical testing. Allele origin: germline. Not counted in ClinVar's aggregate classification.
Comment: This variant is classified as likely benign based on ACMG/AMP sequence variant interpretation guidelines (Richards et al. 2015 PMID: 25741868, with internal and published modifications).

Department of Pathology and Laboratory Medicine, Sinai Health System
Classification: Uncertain significance for Polycystic Kidney disease. Review status: no assertion criteria provided. Collection method: clinical testing. Allele origin: unknown. Affected: yes. Study: The Canadian Open Genetics Repository (COGR). Not counted in ClinVar's aggregate classification.
Comment: The PKD1 p.Asp1162Glu variant was not identified in the literature nor was it identified in the ClinVar, LOVD 3.0, ADPKD Mutation Database, or PKD1-LOVD databases. The variant was identified in dbSNP (ID: rs144211349). The variant was identified in control databases in 30 of 214180 chromosomes at a frequency of 0.00014 increasing the likelihood this could be a low frequency benign variant (Genome Aggregation Database Feb 27, 2017). The variant was observed in the following populations: African in 29 of 18818 chromosomes (freq: 0.002), Other in 1 of 5334 chromosomes (freq: 0.0002), while the variant was not observed in the Latino, European, Ashkenazi Jewish, East Asian, Finnish, and South Asian populations. In addition we cannot be certain that data from control databases is specific to PKD1 and not from one of the six PKD1 pseudogenes. The p.Asp1162 residue is conserved across mammals and other organisms, and four out of five computational analyses (PolyPhen-2, SIFT, AlignGVGD, BLOSUM, MutationTaster) suggest that the variant may impact the protein; however, this information is not predictive enough to assume pathogenicity. The variant occurs outside of the splicing consensus sequence and in silico or computational prediction software programs (SpliceSiteFinder, MaxEntScan, NNSPLICE, GeneSplicer) do not predict a difference in splicing. In summary, based on the above information the clinical significance of this variant cannot be determined with certainty at this time. This variant is classified as a variant of uncertain significance.

NM_001009944.3(PKD1):c.3486C>G (p.Asp1162Glu)

Gene: PKD1 (polycystin 1, transient receptor potential channel interacting; minus strand). Cytogenetic location: 16p13.3.
Variant type: single nucleotide variant.
Coding change: c.3486C>G on transcript NM_001009944.3 (MANE Select); coding-DNA position 3486, C replaced by G.
Protein change: p.Asp1162Glu; replaces aspartic acid 1162 with glutamic acid.
Molecular consequence: missense variant.
Genome position (GRCh38, 1-based): chr16:2,111,681, G>C on the plus strand (C>G on the coding strand, the complement: PKD1 is on the minus strand). VCF-style: chr16-2111681-G-C. GRCh37 (hg19) VCF-style: chr16-2161682-G-C.
Other names: c.3486C>G (NM_000296.3); c.3486C>G, p.Asp1162Glu (NM_000296.4); short protein forms D1162E.
Identifiers: ClinVar variation 993515 (VCV000993515.14), dbSNP rs144211349, ClinGen allele CA7832755.
Genomic context (GRCh38, chr16:2,111,681, plus strand): 5'-GGCATAGGTGTGGTTGGCAGCCGGCTGGCTCTGGGTCAGGACAGGGGAGCCGTCCCCGAA[G>C]TCCCACGTGTAAAGAACACCCCCAGGCGAGGGCAGCGGGTGCGGGTAGAAGGTGACGGGC-3'
Protein context (NP_001009944.3, residues 1152-1172): PSPGGVLYTW[Asp1162Glu]FGDGSPVLTQ